The following is an entry in ClinVar:

ClinVar aggregate classification (germline): Benign/Likely benign. Review status: criteria provided, multiple submitters, no conflicts (2 of 4 stars). 3 submissions from 3 submitters: Benign (1); Likely benign (2). Last evaluated 2025-11-20.

Conditions:
Autosomal recessive limb-girdle muscular dystrophy type 2J (LGMDR10). Also called: Limb-girdle muscular dystrophy, type 2J; MUSCULAR DYSTROPHY, LIMB-GIRDLE, AUTOSOMAL RECESSIVE 10. Identifiers: Orphanet 140922, MedGen C1837342, MONDO:0012127, OMIM 608807.
Dilated cardiomyopathy 1G (CMD1G). Identifiers: Orphanet 154, MedGen C1858763, MONDO:0011400, OMIM 604145.
TTN-related disorder. Also called: TTN-related condition; TTN-related disease; TTN-related disorders.

Submissions (3):

PreventionGenetics, part of Exact Sciences
Classification: Likely benign for TTN-related condition. Last evaluated: 2025-11-20. Review status: criteria provided, single submitter. Criteria: ACMG Guidelines, 2015. Collection method: clinical testing. Allele origin: germline.
Comment: This variant is classified as likely benign based on ACMG/AMP sequence variant interpretation guidelines (Richards et al. 2015 PMID: 25741868, with internal and published modifications).

Labcorp Genetics (formerly Invitae), Labcorp
Classification: Benign for Dilated cardiomyopathy 1G; Autosomal recessive limb-girdle muscular dystrophy type 2J. Last evaluated: 2023-04-09. Review status: criteria provided, single submitter. Criteria: Invitae Variant Classification Sherloc (09022015). Collection method: clinical testing. Allele origin: germline.

GeneDx
Classification: Likely benign. Last evaluated: 2019-07-11. Review status: criteria provided, single submitter. Criteria: GeneDx Variant Classification Process June 2021. Collection method: clinical testing. Allele origin: germline. Affected: yes.

NM_001267550.2(TTN):c.27050-9del

Gene: TTN (titin; minus strand). Cytogenetic location: 2q31.2.
Variant type: Deletion.
Coding change: c.27050-9del on transcript NM_001267550.2 (MANE Select); 9 bases into the intron before coding-DNA position 27050, one base deleted (T; older notation c.27050-9delT).
Molecular consequence: intron variant.
Genome position (GRCh38, 1-based): chr2:178,712,984, A deleted on the plus strand (T on the coding strand, the reverse complement: TTN is on the minus strand); the first of 4 consecutive A bases (chr2:178,712,984-178,712,987); deleting any one gives the same sequence. VCF-style (leftmost placement, unchanged base first): chr2-178712983-CA-C. GRCh37 (hg19) VCF-style: chr2-179577710-CA-C.
Other names: c.27050-9delT (NM_001267550.2); c.13282+25098del (NM_003319.4); c.13858+25098del (NM_133437.4); c.13657+25098del (NM_133432.3); c.23318-9del (NM_133378.4); c.26099-9del (NM_001256850.1); c.26099-9delT (NM_001256850.1).
Identifiers: ClinVar variation 513774 (VCV000513774.10), dbSNP rs888604866, ClinGen allele CA60966056.